The following is an entry in ClinVar:

NM_000291.4(PGK1):c.229T>C (p.Ser77Pro)

Gene: PGK1 (phosphoglycerate kinase 1; plus strand). Cytogenetic location: Xq21.1.
Variant type: single nucleotide variant.
Coding change: c.229T>C on transcript NM_000291.4 (MANE Select); coding-DNA position 229, T replaced by C.
Protein change: p.Ser77Pro; replaces serine 77 with proline.
Molecular consequence: missense variant.
Genome position (GRCh38, 1-based): chrX:78,113,856, T>C. VCF-style: chrX-78113856-T-C. GRCh37 (hg19) VCF-style: chrX-77369353-T-C.
Other names: short protein forms S77P.
Identifiers: ClinVar variation 3369882 (VCV003369882.1).

ClinVar aggregate classification (germline): Uncertain significance (1 of 4 stars; one submission).

gnomAD v4.1: 2 of 1,211,414 alleles (0.00017%); highest among the groups gnomAD compares: Non-Finnish European, 0.00022%; no homozygotes.

Submission:

GeneDx
Classification: Uncertain significance. Last evaluated: 2024-03-07. Review status: criteria provided, single submitter. Criteria: GeneDx Variant Classification Process June 2021. Collection method: clinical testing. Allele origin: germline. Affected: yes.
Comment: Not observed at significant frequency in large population cohorts (gnomAD); In silico analysis supports that this missense variant has a deleterious effect on protein structure/function; Has not been previously published as pathogenic or benign to our knowledge